The following is an entry in ClinVar:

ClinVar aggregate classification (germline): Pathogenic (0 of 4 stars; one submission).

Conditions:
Familial median cleft of the upper and lower lips. Also called: Orofacial cleft 14. Identifiers: Orphanet 401942, MedGen C4014596, MONDO:0014388, OMIM 615892.

Submission:

ClinVar Staff, National Center for Biotechnology Information (NCBI)
Classification: Pathogenic for Familial median cleft of the upper and lower lips. Review status: no assertion criteria provided. Collection method: literature only. Allele origin: germline. Inheritance: Autosomal recessive inheritance. Affected: yes. Observed: 4 variant alleles. Clinical features observed: Incomplete cleft of the upper lip (HP:0011340), Diastema (HP:0000699), Cleft lower lip (HP:0010281).
Comment: Yildirim et al., 2014 (PubMed 23860042) report 4 siblings in a consanguineous family (parents were first cousins) in which this deletion segregated with the phenotype of "facial midline defects, a unique form of orofacial clefting... incomplete median cleft of both the upper and lower lips, accompanied by dental findings." They pointed out "As the 273-kb deletion sequences do not contain any known coding sequences, they might contain gene-regulatory elements, such as enhancers and silencers."

Literature cited by the submitters: PubMed 23860042.

NC_000001.11:g.74782030_75055193del

Variant type: Deletion.
Identifiers: ClinVar variation 3252103 (VCV003252103.1).